The following is an entry in ClinVar:

ClinVar aggregate classification (germline): Likely benign. Review status: criteria provided, multiple submitters, no conflicts (2 of 4 stars). 3 submissions from 3 submitters: Likely benign (3). Last evaluated 2025-06-29.

Conditions:
Cardiovascular phenotype. Identifiers: MedGen CN230736.
Familial hypercholesterolemia. Also called: Familial hypercholesterolemias; Familial hypercholesterolaemia. Identifiers: MedGen C0020445, MONDO:0005439.
Hypercholesterolemia, autosomal dominant, type B (FHCL2). Also called: Familial Hypercholesterolemia Type B; APOB-Related Familial Hypercholesterolemia, Autosomal Dominant; Hyperlipoproteinemia Type IIb; APOLIPOPROTEIN B-100, FAMILIAL DEFECTIVE; APOLIPOPROTEIN B-100, FAMILIAL LIGAND-DEFECTIVE; Familial hypercholesterolemia 2. Identifiers: MedGen C1704417, MONDO:0007751, OMIM 144010.
Familial hypobetalipoproteinemia 1. Also called: APOB-Related Familial Hypobetalipoproteinemia; Hypobetalipoproteinemia, normotriglyceridemic; Acanthocytosis with hypobetalipoproteinemia. Identifiers: MedGen C4551990, MONDO:0014252, OMIM 615558.

Allele frequency attached by ClinVar (database versions not stated): ExAC 0.00002; gnomAD exomes 0.00002 and 0.00010; gnomAD 0.00006 and 0.00007; TOPMed 0.00006; ESP Exome Variant Server 0.00008.
gnomAD v4.1: 150 of 1,614,024 alleles (0.0093%); highest among the groups gnomAD compares: Non-Finnish European, 0.012%; no homozygotes.

Submissions (3):

Labcorp Genetics (formerly Invitae), Labcorp
Classification: Likely benign for Familial hypobetalipoproteinemia 1; Hypercholesterolemia, autosomal dominant, type B. Last evaluated: 2025-06-29. Review status: criteria provided, single submitter. Criteria: Invitae Variant Classification Sherloc (09022015). Collection method: clinical testing. Allele origin: germline.

GENinCode PLC
Classification: Likely benign for Familial hypercholesterolemia. Last evaluated: 2024-08-20. Review status: criteria provided, single submitter. Criteria: ACMG Guidelines, 2015. Collection method: clinical testing. Allele origin: germline.
Comment: This is a synonymous (silent) variant that is not predicted by SpliceAI to impact splicing. In addition, it occurs at a nucleotide that is not conserved. Therefore this variant has been classified as Likely Benign (BP4, BP7).

Ambry Genetics
Classification: Likely benign for Cardiovascular phenotype. Last evaluated: 2022-11-27. Review status: criteria provided, single submitter. Criteria: Ambry Variant Classification Scheme 2023. Collection method: clinical testing. Allele origin: germline.

NM_000384.3(APOB):c.3864C>A (p.Thr1288=)

Gene: APOB (apolipoprotein B; minus strand). Cytogenetic location: 2p24.1.
Variant type: single nucleotide variant.
Coding change: c.3864C>A on transcript NM_000384.3 (MANE Select); coding-DNA position 3864, C replaced by A.
Protein change: p.Thr1288=; no amino-acid change (threonine 1288 retained).
Molecular consequence: synonymous variant.
Genome position (GRCh38, 1-based): chr2:21,013,512, G>T on the plus strand (C>A on the coding strand, the complement: APOB is on the minus strand). VCF-style: chr2-21013512-G-T. GRCh37 (hg19) VCF-style: chr2-21236384-G-T.
Identifiers: ClinVar variation 700679 (VCV000700679.18), dbSNP rs367654009, ClinGen allele CA060076.